The following is an entry in ClinVar:

ClinVar aggregate classification (germline): Uncertain significance. Review status: criteria provided, multiple submitters, no conflicts (2 of 4 stars). 2 submissions from 2 submitters: Uncertain significance (2). Last evaluated 2025-09-17.

Conditions:
Cardiovascular phenotype. Identifiers: MedGen CN230736.
Hypertrophic cardiomyopathy. Also called: HYPERTROPHIC MYOCARDIOPATHY. Identifiers: Orphanet 217569, MedGen C0007194, MeSH D002312, MONDO:0005045, HP:0001639.

gnomAD v4.1: 7 of 1,612,882 alleles (0.00043%); highest among the groups gnomAD compares: African/African-American, 0.004%; no homozygotes.

Submissions (2):

Ambry Genetics
Classification: Uncertain significance for Cardiovascular phenotype. Last evaluated: 2025-09-17. Review status: criteria provided, single submitter. Criteria: Ambry Variant Classification Scheme 2023. Collection method: clinical testing. Allele origin: germline.
Comment: The p.G334S variant (also known as c.1000G>A), located in coding exon 2 of the JPH2 gene, results from a G to A substitution at nucleotide position 1000. The glycine at codon 334 is replaced by serine, an amino acid with similar properties. This amino acid position is conserved. In addition, this alteration is predicted to be deleterious by in silico analysis. Based on the available evidence, the clinical significance of this variant remains unclear.

Labcorp Genetics (formerly Invitae), Labcorp
Classification: Uncertain significance for Hypertrophic cardiomyopathy. Last evaluated: 2025-04-11. Review status: criteria provided, single submitter. Criteria: Invitae Variant Classification Sherloc (09022015). Collection method: clinical testing. Allele origin: germline.
Comment: This sequence change replaces glycine, which is neutral and non-polar, with serine, which is neutral and polar, at codon 334 of the JPH2 protein (p.Gly334Ser). This variant is present in population databases (no rsID available, gnomAD 0.008%). This variant has not been reported in the literature in individuals affected with JPH2-related conditions. An algorithm developed to predict the effect of missense changes on protein structure and function (PolyPhen-2) suggests that this variant is likely to be disruptive. In summary, the available evidence is currently insufficient to determine the role of this variant in disease. Therefore, it has been classified as a Variant of Uncertain Significance.

NM_020433.5(JPH2):c.1000G>A (p.Gly334Ser)

Gene: JPH2 (junctophilin 2; minus strand). Cytogenetic location: 20q13.12.
Variant type: single nucleotide variant.
Coding change: c.1000G>A on transcript NM_020433.5 (MANE Select); coding-DNA position 1000, G replaced by A.
Protein change: p.Gly334Ser; replaces glycine 334 with serine.
Molecular consequence: missense variant.
Genome position (GRCh38, 1-based): chr20:44,159,787, C>T on the plus strand (G>A on the coding strand, the complement: JPH2 is on the minus strand). VCF-style: chr20-44159787-C-T. GRCh37 (hg19) VCF-style: chr20-42788427-C-T.
Other names: short protein forms G334S.
Identifiers: ClinVar variation 4614297 (VCV004614297.2).